The following is an entry in ClinVar:

ClinVar aggregate classification (germline): Uncertain significance. Review status: criteria provided, multiple submitters, no conflicts (2 of 4 stars). 3 submissions from 3 submitters: Uncertain significance (3). Last evaluated 2024-09-17.

Conditions:
Catecholaminergic polymorphic ventricular tachycardia 1. Also called: RYR2-Related Catecholaminergic Polymorphic Ventricular Tachycardia; VENTRICULAR TACHYCARDIA, STRESS-INDUCED POLYMORPHIC 1; VENTRICULAR TACHYCARDIA, CATECHOLAMINERGIC POLYMORPHIC, 1, WITH OR WITHOUT ATRIAL DYSFUNCTION AND/OR DILATED CARDIOMYOPATHY. Identifiers: Orphanet 3286, MedGen C1631597, MONDO:0011484, OMIM 604772.
Catecholaminergic polymorphic ventricular tachycardia 5 (CARDAR). Also called: Ventricular tachycardia, catecholaminergic polymorphic, 5, with or without muscle weakness; CARDIAC ARRHYTHMIA SYNDROME, WITH OR WITHOUT SKELETAL MUSCLE WEAKNESS. Identifiers: Orphanet 3286, MedGen C3809536, MONDO:0014191, OMIM 615441.
Cardiovascular phenotype. Identifiers: MedGen CN230736.

Allele frequency attached by ClinVar (database versions not stated): gnomAD exomes below 0.00001; TOPMed below 0.00001; gnomAD 0.00001.
gnomAD v4.1: 16 of 1,612,470 alleles (0.00099%); highest among the groups gnomAD compares: Non-Finnish European, 0.0013%; no homozygotes.

Submissions (3):

Ambry Genetics
Classification: Uncertain significance for Cardiovascular phenotype. Last evaluated: 2024-09-17. Review status: criteria provided, single submitter. Criteria: Ambry Variant Classification Scheme 2023. Collection method: clinical testing. Allele origin: germline.
Comment: The p.A429D variant (also known as c.1286C>A), located in coding exon 20 of the TRDN gene, results from a C to A substitution at nucleotide position 1286. The alanine at codon 429 is replaced by aspartic acid, an amino acid with dissimilar properties. This amino acid position is conserved. In addition, this alteration is predicted to be tolerated by in silico analysis. Based on the available evidence, the clinical significance of this variant remains unclear.

Labcorp Genetics (formerly Invitae), Labcorp
Classification: Uncertain significance for Catecholaminergic polymorphic ventricular tachycardia 1. Last evaluated: 2021-11-17. Review status: criteria provided, single submitter. Criteria: Invitae Variant Classification Sherloc (09022015). Collection method: clinical testing. Allele origin: germline.
Comment: This sequence change replaces alanine, which is neutral and non-polar, with aspartic acid, which is acidic and polar, at codon 429 of the TRDN protein (p.Ala429Asp). The frequency data for this variant in the population databases is considered unreliable, as metrics indicate poor data quality at this position in the gnomAD database. This variant has not been reported in the literature in individuals affected with TRDN-related conditions. Algorithms developed to predict the effect of missense changes on protein structure and function are either unavailable or do not agree on the potential impact of this missense change (SIFT: "Tolerated"; PolyPhen-2: "Possibly Damaging"; Align-GVGD: "Class C0"). In summary, the available evidence is currently insufficient to determine the role of this variant in disease. Therefore, it has been classified as a Variant of Uncertain Significance.

Fulgent Genetics
Classification: Uncertain significance for Catecholaminergic polymorphic ventricular tachycardia 1; Catecholaminergic polymorphic ventricular tachycardia 5. Last evaluated: 2021-10-13. Review status: criteria provided, single submitter. Criteria: ACMG Guidelines, 2015. Collection method: clinical testing. Allele origin: unknown.

NM_006073.4(TRDN):c.1286C>A (p.Ala429Asp)

Gene: TRDN (triadin; minus strand). Cytogenetic location: 6q22.31.
Variant type: single nucleotide variant.
Coding change: c.1286C>A on transcript NM_006073.4 (MANE Select); coding-DNA position 1286, C replaced by A.
Protein change: p.Ala429Asp; replaces alanine 429 with aspartic acid.
Molecular consequence: missense variant.
Genome position (GRCh38, 1-based): chr6:123,366,170, G>T on the plus strand (C>A on the coding strand, the complement: TRDN is on the minus strand). VCF-style: chr6-123366170-G-T. GRCh37 (hg19) VCF-style: chr6-123687315-G-T.
Other names: c.1286C>A (NM_006073.2); c.1289C>A, p.Ala430Asp (NM_001251987.2); short protein forms A429D, A430D.
Identifiers: ClinVar variation 1409502 (VCV001409502.6), dbSNP rs1297242196, ClinGen allele CA365565962.
Genomic context (GRCh38, chr6:123,366,170, plus strand): 5'-ATCTTTATCTTTAAGCTGCATTTACCTTTTTTAATTGAAACCGCACCAATCTCCTCTTTG[G>T]CTCGTTCAGTTTCTGCAAGTTCAGATATTAAAGGAATGAGAAGTGGATATTAGTGATGCC-3'
Protein context (NP_006064.2, residues 419-439): DKQVKAKTER[Ala429Asp]KEEIGAVSIK